The following is an entry in ClinVar:

NM_199420.4(POLQ):c.6581C>A (p.Pro2194Gln)

Gene: POLQ (DNA polymerase theta; minus strand). Cytogenetic location: 3q13.33.
Variant type: single nucleotide variant.
Coding change: c.6581C>A on transcript NM_199420.4 (MANE Select); coding-DNA position 6581, C replaced by A.
Protein change: p.Pro2194Gln; replaces proline 2194 with glutamine.
Molecular consequence: missense variant.
Genome position (GRCh38, 1-based): chr3:121,472,127, G>T on the plus strand (C>A on the coding strand, the complement: POLQ is on the minus strand). VCF-style: chr3-121472127-G-T. GRCh37 (hg19) VCF-style: chr3-121190974-G-T.
Other names: short protein forms P2194Q.
Identifiers: ClinVar variation 2560550 (VCV002560550.2), dbSNP rs2047888444, ClinGen allele CA354085542.

ClinVar aggregate classification (germline): Uncertain significance (1 of 4 stars; one submission).

Allele frequency attached by ClinVar (database versions not stated): gnomAD exomes below 0.00001.
gnomAD v4.1: 1 of 1,558,712 alleles (0.000064%); highest among the groups gnomAD compares: Non-Finnish European, 0.000088%; no homozygotes.

Submission:

Ambry Genetics
Classification: Uncertain significance. Last evaluated: 2023-05-14. Review status: criteria provided, single submitter. Criteria: Ambry Variant Classification Scheme 2023. Collection method: clinical testing. Allele origin: germline.
Comment: The p.P2194Q variant (also known as c.6581C>A), located in coding exon 22 of the POLQ gene, results from a C to A substitution at nucleotide position 6581. The proline at codon 2194 is replaced by glutamine, an amino acid with similar properties. This amino acid position is conserved. In addition, the in silico prediction for this alteration is inconclusive. Since supporting evidence is limited at this time, the clinical significance of this alteration remains unclear.